The following is an entry in ClinVar:

NM_022788.5(P2RY12):c.10G>A (p.Val4Ile)

Genes: MED12L (mediator complex subunit 12L; plus strand), P2RY12 (purinergic receptor P2Y12; minus strand). Cytogenetic location: 3q25.1.
Variant type: single nucleotide variant.
Coding change: c.10G>A on transcript NM_022788.5 (MANE Select); coding-DNA position 10, G replaced by A.
Protein change: p.Val4Ile; replaces valine 4 with isoleucine.
Molecular consequence: missense variant. On other transcripts: intron variant (2).
Genome position (GRCh38, 1-based): chr3:151,338,836, C>T on the plus strand (G>A on the coding strand, the complement: P2RY12 is on the minus strand). VCF-style: chr3-151338836-C-T. GRCh37 (hg19) VCF-style: chr3-151056624-C-T.
Other names: c.10G>A, p.Val4Ile (NM_176876.3); c.2251-11223C>T (NM_001393769.1); c.2146-11223C>T (NM_053002.6); short protein forms V4I.
Identifiers: ClinVar variation 4753822 (VCV004753822.1).

ClinVar aggregate classification (germline): Uncertain significance (1 of 4 stars; one submission).

gnomAD v4.1: 21 of 1,613,390 alleles (0.0013%); highest among the groups gnomAD compares: African/African-American, 0.015%; no homozygotes.

Submission:

Labcorp Genetics (formerly Invitae), Labcorp
Classification: Uncertain significance. Last evaluated: 2025-06-17. Review status: criteria provided, single submitter. Criteria: Invitae Variant Classification Sherloc (09022015). Collection method: clinical testing. Allele origin: germline.
Comment: This sequence change replaces valine, which is neutral and non-polar, with isoleucine, which is neutral and non-polar, at codon 4 of the P2RY12 protein (p.Val4Ile). This variant is present in population databases (rs376034077, gnomAD 0.03%). This variant has not been reported in the literature in individuals affected with P2RY12-related conditions. An algorithm developed to predict the effect of missense changes on protein structure and function outputs the following: PolyPhen-2: "Benign". The isoleucine amino acid residue is found in multiple mammalian species, which suggests that this missense change does not adversely affect protein function. In summary, the available evidence is currently insufficient to determine the role of this variant in disease. Therefore, it has been classified as a Variant of Uncertain Significance.